The following is an entry in ClinVar:

ClinVar aggregate classification (germline): Uncertain significance (1 of 4 stars; one submission).

Conditions:
Beckwith-Wiedemann syndrome (BWS). Also called: EMG SYNDROME; Exomphalos macroglossia gigantism syndrome. Identifiers: Orphanet 116, MedGen C0004903, MONDO:0007534, OMIM 130650.

Allele frequency attached by ClinVar (database versions not stated): TOPMed below 0.00001.

Submission:

Labcorp Genetics (formerly Invitae), Labcorp
Classification: Uncertain significance for Beckwith-Wiedemann syndrome. Last evaluated: 2025-02-25. Review status: criteria provided, single submitter. Criteria: Invitae Variant Classification Sherloc (09022015). Collection method: clinical testing. Allele origin: germline.
Comment: This sequence change replaces alanine, which is neutral and non-polar, with threonine, which is neutral and polar, at codon 181 of the CDKN1C protein (p.Ala181Thr). The frequency data for this variant in the population databases is considered unreliable, as metrics indicate insufficient coverage at this position in the gnomAD database. This variant has not been reported in the literature in individuals affected with CDKN1C-related conditions. ClinVar contains an entry for this variant (Variation ID: 849395). Invitae Evidence Modeling of protein sequence and biophysical properties (such as structural, functional, and spatial information, amino acid conservation, physicochemical variation, residue mobility, and thermodynamic stability) indicates that this missense variant is not expected to disrupt CDKN1C protein function with a negative predictive value of 80%. In summary, the available evidence is currently insufficient to determine the role of this variant in disease. Therefore, it has been classified as a Variant of Uncertain Significance.

NM_001122630.2(CDKN1C):c.508G>A (p.Ala170Thr)

Gene: CDKN1C (cyclin dependent kinase inhibitor 1C; minus strand). Cytogenetic location: 11p15.4.
Variant type: single nucleotide variant.
Coding change: c.508G>A on transcript NM_001122630.2 (MANE Select); coding-DNA position 508, G replaced by A.
Protein change: p.Ala170Thr; replaces alanine 170 with threonine.
Molecular consequence: missense variant. On other transcripts: intron variant (1).
Genome position (GRCh38, 1-based): chr11:2,884,949, C>T on the plus strand (G>A on the coding strand, the complement: CDKN1C is on the minus strand). VCF-style: chr11-2884949-C-T. GRCh37 (hg19) VCF-style: chr11-2906179-C-T.
Other names: c.541G>A, p.Ala181Thr (NM_000076.2, NM_001362474.2); c.508G>A, p.Ala170Thr (NM_001122631.2); c.255+253G>A (NM_001362475.2); short protein forms A170T, A181T.
Identifiers: ClinVar variation 849395 (VCV000849395.7), dbSNP rs1848945193, ClinGen allele CA379146502.